The following is an entry in ClinVar:

NM_002055.5(GFAP):c.522+1G>T

Gene: GFAP (glial fibrillary acidic protein; minus strand). Cytogenetic location: 17q21.31.
Variant type: single nucleotide variant.
Coding change: c.522+1G>T on transcript NM_002055.5 (MANE Select); the canonical splice donor site of the intron after coding-DNA position 522, G replaced by T.
Molecular consequence: splice donor variant.
Genome position (GRCh38, 1-based): chr17:44,914,027, C>A on the plus strand (G>T on the coding strand, the complement: GFAP is on the minus strand). VCF-style: chr17-44914027-C-A. GRCh37 (hg19) VCF-style: chr17-42991395-C-A.
Other names: c.522+1G>T (NM_001363846.2, NM_001131019.3, NM_001242376.3).
Identifiers: ClinVar variation 2833696 (VCV002833696.3), dbSNP rs1250595736, ClinGen allele CA399846923.
Genomic context (GRCh38, chr17:44,914,027, plus strand): 5'-TTGGGTGGGTGGCCATCAATCCTTTCCTCCCTCCCCTGCCCCTCCCCTCCACCTCCCTGA[C>A]CTGTCTATAGGCAGCCAGGTTGTTCTCGGCTTCCAGCCTCAGGTTGGTTTCATCCTGGAG-3'

ClinVar aggregate classification (germline): Uncertain significance (1 of 4 stars; one submission).

Allele frequency attached by ClinVar (database versions not stated): gnomAD exomes below 0.00001.
gnomAD v4.1: 2 of 1,554,616 alleles (0.00013%); highest among the groups gnomAD compares: Non-Finnish European, 0.00017%; no homozygotes.

Submission:

Labcorp Genetics (formerly Invitae), Labcorp
Classification: Uncertain significance. Last evaluated: 2024-07-30. Review status: criteria provided, single submitter. Criteria: Invitae Variant Classification Sherloc (09022015). Collection method: clinical testing. Allele origin: germline.
Comment: This sequence change affects a donor splice site in intron 2 of the GFAP gene. It is expected to disrupt RNA splicing. Variants that disrupt the donor or acceptor splice site typically lead to a loss of protein function (PMID: 16199547), however the current clinical and genetic evidence is not sufficient to establish whether loss-of-function variants in GFAP cause disease. This variant is not present in population databases (gnomAD no frequency). This variant has not been reported in the literature in individuals affected with GFAP-related conditions. Algorithms developed to predict the effect of sequence changes on RNA splicing suggest that this variant may disrupt the consensus splice site. In summary, the available evidence is currently insufficient to determine the role of this variant in disease. Therefore, it has been classified as a Variant of Uncertain Significance.

Literature cited by the submitters: PubMed 16199547.